The following is an entry in ClinVar:

ClinVar aggregate classification (germline): Benign (1 of 4 stars; one submission).

Conditions:
Pyridoxal phosphate-responsive seizures (PNPOD). Also called: Pyridoxal 5'-Phosphate (PLP)-Dependent Epilepsy; EPILEPTIC ENCEPHALOPATHY, NEONATAL, PNPO-RELATED; Pyridoxamine 5-Prime-Phosphate Oxidase Deficiency; Pyridoxine-5'-phosphate oxidase deficiency; SEIZURES, PYRIDOXINE-RESISTANT, PLP-SENSITIVE. Identifiers: Orphanet 79096, MedGen C1864723, MONDO:0012407, OMIM 610090. Disease mechanism: loss of function.

Allele frequency attached by ClinVar (database versions not stated): 1000 Genomes Project 0.01877; gnomAD 0.01934 and 0.02054; 1000 Genomes Project 30x 0.02077; TOPMed 0.02172.

Submission:

Illumina Laboratory Services, Illumina
Classification: Benign for Pyridoxal phosphate-responsive seizures. Last evaluated: 2018-01-12. Review status: criteria provided, single submitter. Criteria: ICSL Variant Classification Criteria 13 December 2019. Collection method: clinical testing. Allele origin: germline.
Comment: This variant was observed in the ICSL laboratory as part of a predisposition screen in an ostensibly healthy population. It had not been previously curated by ICSL or reported in the Human Gene Mutation Database (HGMD: prior to June 1st, 2018), and was therefore a candidate for classification through an automated scoring system. Utilizing variant allele frequency, disease prevalence and penetrance estimates, and inheritance mode, an automated score was calculated to assess if this variant is too frequent to cause the disease. Based on the score and internal cut-off values, a variant classified as benign is not then subjected to further curation. The score for this variant resulted in a classification of benign for this disease.

NM_018129.4(PNPO):c.*1668G>A

Gene: PNPO (pyridoxamine 5'-phosphate oxidase; plus strand). Cytogenetic location: 17q21.32.
Variant type: single nucleotide variant.
Coding change: c.*1668G>A on transcript NM_018129.4 (MANE Select); 1668 bases downstream of the stop codon, G replaced by A.
Molecular consequence: 3 prime UTR variant.
Genome position (GRCh38, 1-based): chr17:47,948,450, G>A. VCF-style: chr17-47948450-G-A. GRCh37 (hg19) VCF-style: chr17-46025816-G-A.
Identifiers: ClinVar variation 323935 (VCV000323935.5), dbSNP rs7208554, ClinGen allele CA10640002.